The following is an entry in ClinVar:

ClinVar aggregate classification (germline): Likely benign (0 of 4 stars; one submission).

Conditions:
COLEC11-related disorder. Also called: COLEC11-related condition.

Allele frequency attached by ClinVar (database versions not stated): gnomAD exomes 0.00004; TOPMed 0.00008; gnomAD 0.00010; ExAC 0.00022; 1000 Genomes Project 30x 0.00031; 1000 Genomes Project 0.00040.
gnomAD v4.1: 81 of 1,613,786 alleles (0.005%); highest among the groups gnomAD compares: East Asian, 0.12%; no homozygotes.

Submission:

PreventionGenetics, part of Exact Sciences
Classification: Likely benign for COLEC11-related condition. Last evaluated: 2019-08-09. Review status: no assertion criteria provided. Collection method: clinical testing. Allele origin: germline.
Comment: This variant is classified as likely benign based on ACMG/AMP sequence variant interpretation guidelines (Richards et al. 2015 PMID: 25741868, with internal and published modifications).

NM_024027.5(COLEC11):c.576C>T (p.Tyr192=)

Gene: COLEC11 (collectin subfamily member 11; plus strand). Cytogenetic location: 2p25.3.
Variant type: single nucleotide variant.
Coding change: c.576C>T on transcript NM_024027.5 (MANE Select); coding-DNA position 576, C replaced by T.
Protein change: p.Tyr192=; no amino-acid change (tyrosine 192 retained).
Molecular consequence: synonymous variant. On other transcripts: non-coding transcript variant (1).
Genome position (GRCh38, 1-based): chr2:3,643,878, C>T. VCF-style: chr2-3643878-C-T. GRCh37 (hg19) VCF-style: chr2-3691468-C-T.
Other names: c.504C>T, p.Tyr168= (NM_001255982.2, NM_001255983.2); c.432C>T, p.Tyr144= (NM_001255984.2); c.618C>T, p.Tyr206= (NM_001255985.1); c.498C>T, p.Tyr166= (NM_001255986.1); c.426C>T, p.Tyr142= (NM_001255987.1, NM_001255988.1); c.354C>T, p.Tyr118= (NM_001255989.1); c.567C>T, p.Tyr189= (NM_199235.3).
Identifiers: ClinVar variation 3035817 (VCV003035817.2), dbSNP rs553743194, ClinGen allele CA1517106.